The following is an entry in ClinVar:

NM_000138.5(FBN1):c.8018G>A (p.Gly2673Asp)

Gene: FBN1 (fibrillin 1; minus strand). Cytogenetic location: 15q21.1.
Variant type: single nucleotide variant.
Coding change: c.8018G>A on transcript NM_000138.5 (MANE Select); coding-DNA position 8018, G replaced by A.
Protein change: p.Gly2673Asp; replaces glycine 2673 with aspartic acid.
Molecular consequence: missense variant.
Genome position (GRCh38, 1-based): chr15:48,415,569, C>T on the plus strand (G>A on the coding strand, the complement: FBN1 is on the minus strand). VCF-style: chr15-48415569-C-T. GRCh37 (hg19) VCF-style: chr15-48707766-C-T.
Other names: c.8018G>A, p.Gly2673Asp (NM_001406716.1); short protein forms G2673D.
Identifiers: ClinVar variation 3907915 (VCV003907915.1).

ClinVar aggregate classification (germline): Uncertain significance (1 of 4 stars; one submission).

Submission:

GeneDx
Classification: Uncertain significance. Last evaluated: 2024-12-26. Review status: criteria provided, single submitter. Criteria: GeneDx Variant Classification Process June 2021. Collection method: clinical testing. Allele origin: germline. Affected: yes.
Comment: Not observed at significant frequency in large population cohorts (gnomAD); In silico analysis supports that this missense variant has a deleterious effect on protein structure/function; Has not been previously published as pathogenic or benign to our knowledge; Does not affect a cysteine or calcium-binding residue within an EGF-like domain or a TGF-binding protein domain of the FBN1 gene; cysteine substitutions in the EGF-like domains represent the majority of pathogenic missense changes associated with FBN1-related disorders (PMID: 12938084); This variant is associated with the following publications: (PMID: 12938084)